The following is an entry in ClinVar:

NM_001849.4(COL6A2):c.1079C>G (p.Ala360Gly)

Gene: COL6A2 (collagen type VI alpha 2 chain; plus strand). Cytogenetic location: 21q22.3.
Variant type: single nucleotide variant.
Coding change: c.1079C>G on transcript NM_001849.4 (MANE Select); coding-DNA position 1079, C replaced by G.
Protein change: p.Ala360Gly; replaces alanine 360 with glycine.
Molecular consequence: missense variant.
Genome position (GRCh38, 1-based): chr21:46,117,899, C>G. VCF-style: chr21-46117899-C-G. GRCh37 (hg19) VCF-style: chr21-47537813-C-G.
Other names: c.1079C>G, p.Ala360Gly (NM_058174.3, NM_058175.3); short protein forms A360G.
Identifiers: ClinVar variation 1302084 (VCV001302084.4), dbSNP rs2078500027, ClinGen allele CA410527551.

ClinVar aggregate classification (germline): Uncertain significance. Review status: criteria provided, multiple submitters, no conflicts (2 of 4 stars). 2 submissions from 2 submitters: Uncertain significance (2). Last evaluated 2025-01-30.

Conditions:
Bethlem myopathy 1A. Also called: Bethlem myopathy 1; MYOPATHY, BENIGN CONGENITAL, WITH CONTRACTURES; Bethlem Muscular Dystrophy. Identifiers: Orphanet 610, MedGen CN029274, MONDO:0024530, OMIM 158810.

Submissions (2):

Labcorp Genetics (formerly Invitae), Labcorp
Classification: Uncertain significance for Bethlem myopathy 1A. Last evaluated: 2025-01-30. Review status: criteria provided, single submitter. Criteria: Invitae Variant Classification Sherloc (09022015). Collection method: clinical testing. Allele origin: germline.
Comment: This sequence change replaces alanine, which is neutral and non-polar, with glycine, which is neutral and non-polar, at codon 360 of the COL6A2 protein (p.Ala360Gly). This variant is not present in population databases (gnomAD no frequency). This variant has not been reported in the literature in individuals affected with COL6A2-related conditions. ClinVar contains an entry for this variant (Variation ID: 1302084). Invitae Evidence Modeling of protein sequence and biophysical properties (such as structural, functional, and spatial information, amino acid conservation, physicochemical variation, residue mobility, and thermodynamic stability) indicates that this missense variant is not expected to disrupt COL6A2 protein function with a negative predictive value of 80%. In summary, the available evidence is currently insufficient to determine the role of this variant in disease. Therefore, it has been classified as a Variant of Uncertain Significance.

GeneDx
Classification: Uncertain significance. Last evaluated: 2019-06-07. Review status: criteria provided, single submitter. Criteria: GeneDx Variant Classification Process June 2021. Collection method: clinical testing. Allele origin: germline. Affected: yes.
Comment: Not observed in large population cohorts (Lek et al., 2016); In silico analysis, which includes protein predictors and evolutionary conservation, supports that this variant does not alter protein structure/function; Has not been previously published as pathogenic or benign to our knowledge